The following is an entry in ClinVar:

NM_005045.4(RELN):c.3803C>T (p.Thr1268Ile)

Gene: RELN (reelin; minus strand). Cytogenetic location: 7q22.1.
Variant type: single nucleotide variant.
Coding change: c.3803C>T on transcript NM_005045.4 (MANE Select); coding-DNA position 3803, C replaced by T.
Protein change: p.Thr1268Ile; replaces threonine 1268 with isoleucine.
Molecular consequence: missense variant.
Genome position (GRCh38, 1-based): chr7:103,593,791, G>A on the plus strand (C>T on the coding strand, the complement: RELN is on the minus strand). VCF-style: chr7-103593791-G-A. GRCh37 (hg19) VCF-style: chr7-103234238-G-A.
Other names: c.3803C>T, p.Thr1268Ile (NM_173054.3); short protein forms T1268I.
Identifiers: ClinVar variation 3761513 (VCV003761513.2).

ClinVar aggregate classification (germline): Uncertain significance (1 of 4 stars; one submission).

Conditions:
Norman-Roberts syndrome (LIS2). Also called: Lissencephaly 2 (Norman-Roberts type). Identifiers: Orphanet 89844, MedGen C0796089, MONDO:0009760, OMIM 257320.
Familial temporal lobe epilepsy 7. Identifiers: Orphanet 101046, MedGen C4225327, MONDO:0014639, OMIM 616436.

gnomAD v4.1: 2 of 1,613,642 alleles (0.00012%); highest among the groups gnomAD compares: Non-Finnish European, 0.00017%; no homozygotes.

Submission:

Labcorp Genetics (formerly Invitae), Labcorp
Classification: Uncertain significance for Familial temporal lobe epilepsy 7; Norman-Roberts syndrome. Last evaluated: 2024-10-24. Review status: criteria provided, single submitter. Criteria: Invitae Variant Classification Sherloc (09022015). Collection method: clinical testing. Allele origin: germline.
Comment: This sequence change replaces threonine, which is neutral and polar, with isoleucine, which is neutral and non-polar, at codon 1268 of the RELN protein (p.Thr1268Ile). This variant is not present in population databases (gnomAD no frequency). This variant has not been reported in the literature in individuals affected with RELN-related conditions. Invitae Evidence Modeling of protein sequence and biophysical properties (such as structural, functional, and spatial information, amino acid conservation, physicochemical variation, residue mobility, and thermodynamic stability) indicates that this missense variant is not expected to disrupt RELN protein function with a negative predictive value of 80%. In summary, the available evidence is currently insufficient to determine the role of this variant in disease. Therefore, it has been classified as a Variant of Uncertain Significance.